The following is an entry in ClinVar:

ClinVar aggregate classification (germline): Uncertain significance (1 of 4 stars; one submission).

Conditions:
Fanconi anemia complementation group E (FANCE). Also called: FANCE-Related Fanconi Anemia. Identifiers: Orphanet 84, MedGen C3160739, MONDO:0010953, OMIM 600901.

Submission:

Labcorp Genetics (formerly Invitae), Labcorp
Classification: Uncertain significance for Fanconi anemia complementation group E. Last evaluated: 2022-04-21. Review status: criteria provided, single submitter. Criteria: Invitae Variant Classification Sherloc (09022015). Collection method: clinical testing. Allele origin: germline.
Comment: This sequence change replaces glycine, which is neutral and non-polar, with serine, which is neutral and polar, at codon 340 of the FANCE protein (p.Gly340Ser). This variant is present in population databases (no rsID available, gnomAD 0.003%). This variant has not been reported in the literature in individuals affected with FANCE-related conditions. Algorithms developed to predict the effect of missense changes on protein structure and function output the following: SIFT: "Tolerated"; PolyPhen-2: "Benign"; Align-GVGD: "Class C0". The serine amino acid residue is found in multiple mammalian species, which suggests that this missense change does not adversely affect protein function. In summary, the available evidence is currently insufficient to determine the role of this variant in disease. Therefore, it has been classified as a Variant of Uncertain Significance.

NM_021922.3(FANCE):c.1018G>A (p.Gly340Ser)

Gene: FANCE (FA complementation group E; plus strand). Cytogenetic location: 6p21.31.
Variant type: single nucleotide variant.
Coding change: c.1018G>A on transcript NM_021922.3 (MANE Select); coding-DNA position 1018, G replaced by A.
Protein change: p.Gly340Ser; replaces glycine 340 with serine.
Molecular consequence: missense variant.
Genome position (GRCh38, 1-based): chr6:35,458,345, G>A. VCF-style: chr6-35458345-G-A. GRCh37 (hg19) VCF-style: chr6-35426122-G-A.
Other names: c.1018G>A, p.Gly340Ser (NM_001410876.1); short protein forms G340S.
Identifiers: ClinVar variation 2083540 (VCV002083540.1), dbSNP rs45524646, ClinGen allele CA363775126.